The following is an entry in ClinVar:

NM_000059.4(BRCA2):c.1596A>T (p.Glu532Asp)

Gene: BRCA2 (BRCA2 DNA repair associated; plus strand). Cytogenetic location: 13q13.1.
Variant type: single nucleotide variant.
Coding change: c.1596A>T on transcript NM_000059.4 (MANE Select); coding-DNA position 1596, A replaced by T.
Protein change: p.Glu532Asp; replaces glutamic acid 532 with aspartic acid.
Molecular consequence: missense variant. On other transcripts: non-coding transcript variant (1), intron variant (1).
Genome position (GRCh38, 1-based): chr13:32,333,074, A>T. VCF-style: chr13-32333074-A-T. GRCh37 (hg19) VCF-style: chr13-32907211-A-T.
Other names: c.1596A>T, p.Glu532Asp (NM_001406719.1, NM_001406720.1, NM_001406721.1); c.424+2044A>T (NM_001406722.1); short protein forms E532D.
Identifiers: ClinVar variation 2774884 (VCV002774884.3), dbSNP rs2137473062, ClinGen allele CA387764818.

ClinVar aggregate classification (germline): Uncertain significance. Review status: criteria provided, multiple submitters, no conflicts (2 of 4 stars). 2 submissions from 2 submitters: Uncertain significance (2). Last evaluated 2025-12-01.

Conditions:
Hereditary cancer-predisposing syndrome. Also called: Neoplastic Syndromes, Hereditary; Tumor predisposition; Hereditary Cancer Syndrome; Hereditary neoplastic syndrome. Identifiers: Orphanet 140162, MedGen C0027672, MeSH D009386, MONDO:0015356.

Submissions (2):

Ambry Genetics
Classification: Uncertain significance for Hereditary cancer-predisposing syndrome. Last evaluated: 2025-12-01. Review status: criteria provided, single submitter. Criteria: Ambry Variant Classification Scheme 2023. Collection method: clinical testing. Allele origin: germline.
Comment: The p.E532D variant (also known as c.1596A>T), located in coding exon 9 of the BRCA2 gene, results from an A to T substitution at nucleotide position 1596. The glutamic acid at codon 532 is replaced by aspartic acid, an amino acid with highly similar properties. This amino acid position is conserved. In addition, this alteration is predicted to be tolerated by in silico analysis. Based on the available evidence, the clinical significance of this variant remains unclear.

Color Diagnostics, LLC DBA Color Health
Classification: Uncertain significance for Hereditary cancer-predisposing syndrome. Last evaluated: 2022-06-13. Review status: criteria provided, single submitter. Criteria: ACMG Guidelines, 2015. Collection method: clinical testing. Allele origin: germline.
Comment: This missense variant replaces glutamic acid with aspartic acid at codon 532 of the BRCA2 protein. Computational prediction suggests that this variant may not impact protein structure and function (internally defined REVEL score threshold <= 0.5, PMID: 27666373). To our knowledge, functional studies have not been reported for this variant. This variant has not been reported in individuals affected with hereditary cancer in the literature. This variant has not been identified in the general population by the Genome Aggregation Database (gnomAD). The available evidence is insufficient to determine the role of this variant in disease conclusively. Therefore, this variant is classified as a Variant of Uncertain Significance.